The following is an entry in ClinVar:

NM_000138.5(FBN1):c.2848T>C (p.Cys950Arg)

Gene: FBN1 (fibrillin 1; minus strand). Cytogenetic location: 15q21.1.
Variant type: single nucleotide variant.
Coding change: c.2848T>C on transcript NM_000138.5 (MANE Select); coding-DNA position 2848, T replaced by C.
Protein change: p.Cys950Arg; replaces cysteine 950 with arginine.
Molecular consequence: missense variant.
Genome position (GRCh38, 1-based): chr15:48,492,467, A>G on the plus strand (T>C on the coding strand, the complement: FBN1 is on the minus strand). VCF-style: chr15-48492467-A-G. GRCh37 (hg19) VCF-style: chr15-48784664-A-G.
Other names: short protein forms C950R.
Identifiers: ClinVar variation 1458521 (VCV001458521.8), dbSNP rs2141300266, ClinGen allele CA392330418.
Genomic context (GRCh38, chr15:48,492,467, plus strand): 5'-TTTTAATAATCGTTAATAAATTATTATTAGAAAAATAATGAGCTCAGTATTTACCAAGAC[A>G]GATCCTTCCTGTGGCATCCAAAGTCATTCCACTGGGACACTGACACTTGAATGACCCCCT-3'
Protein context (NP_000129.3, residues 940-960): GMTLDATGRI[Cys950Arg]LDIRLETCFL

ClinVar aggregate classification (germline): Pathogenic (1 of 4 stars; one submission).

Conditions:
Marfan syndrome (MFS). Also called: MARFAN SYNDROME, TYPE I; Marfan syndrome type 1; Marfan's syndrome; Marfan syndrome, classic; FBN1-Related Marfan Syndrome. Identifiers: Orphanet 284963, Orphanet 558, MedGen C0024796, MONDO:0007947, OMIM 154700.
Familial thoracic aortic aneurysm and aortic dissection (TAAD). Also called: Thoracic aortic aneurysms and dissections. Identifiers: Orphanet 91387, MedGen C4707243, MONDO:0019625.

Submission:

Labcorp Genetics (formerly Invitae), Labcorp
Classification: Pathogenic for Marfan syndrome; Familial thoracic aortic aneurysm and aortic dissection. Last evaluated: 2021-03-24. Review status: criteria provided, single submitter. Criteria: Invitae Variant Classification Sherloc (09022015). Collection method: clinical testing. Allele origin: germline.
Comment: For these reasons, this variant has been classified as Pathogenic. Advanced modeling of protein sequence and biophysical properties (such as structural, functional, and spatial information, amino acid conservation, physicochemical variation, residue mobility, and thermodynamic stability) performed at Invitae indicates that this missense variant is expected to disrupt FBN1 protein function. This variant affects a cysteine residue in the EGF-like, TGFBP or hybrid motif domains of FBN1. Cysteine residues are believed to be involved in intramolecular disulfide bridges and have been shown to be important for FBN1 protein structure (PMID: 16905551, 19349279). In addition, missense substitutions affecting cysteine residues within these domains are significantly overrepresented among patients with Marfan syndrome (PMID: 16571647, 17701892). This sequence change replaces cysteine with arginine at codon 950 of the FBN1 protein (p.Cys950Arg). The cysteine residue is highly conserved and there is a large physicochemical difference between cysteine and arginine. This variant is not present in population databases (ExAC no frequency). This variant has been observed in individual(s) with Marfan syndrome (PMID: 31825148).

Literature cited by the submitters: PubMed 16905551; PubMed 19349279; PubMed 16571647; PubMed 17701892; PubMed 31825148.